The following is an entry in ClinVar:

NM_004544.4(NDUFA10):c.*8G>T

Gene: NDUFA10 (NADH:ubiquinone oxidoreductase subunit A10; minus strand). Cytogenetic location: 2q37.3.
Variant type: single nucleotide variant.
Coding change: c.*8G>T on transcript NM_004544.4 (MANE Select); 8 bases downstream of the stop codon, G replaced by T.
Molecular consequence: 3 prime UTR variant. On other transcripts: non-coding transcript variant (3).
Genome position (GRCh38, 1-based): chr2:239,961,110, C>A on the plus strand (G>T on the coding strand, the complement: NDUFA10 is on the minus strand). VCF-style: chr2-239961110-C-A. GRCh37 (hg19) VCF-style: chr2-240900527-C-A.
Other names: c.*13G>T (NM_001322020.2).
Identifiers: ClinVar variation 389483 (VCV000389483.1), dbSNP rs370647399, ClinGen allele CA16604151.

ClinVar aggregate classification (germline): Likely benign (1 of 4 stars; one submission).

gnomAD v4.1: 9 of 1,614,074 alleles (0.00056%); highest among the groups gnomAD compares: Non-Finnish European, 0.00068%; no homozygotes.

Submission:

GeneDx
Classification: Likely benign. Last evaluated: 2016-10-06. Review status: criteria provided, single submitter. Criteria: GeneDx Variant Classification (06012015). Collection method: clinical testing. Allele origin: germline. Affected: yes.
Comment: This variant is considered likely benign or benign based on one or more of the following criteria: it is a conservative change, it occurs at a poorly conserved position in the protein, it is predicted to be benign by multiple in silico algorithms, and/or has population frequency not consistent with disease.